The following is an entry in ClinVar:

NM_001042492.3(NF1):c.730+6G>T

Gene: NF1 (neurofibromin 1; plus strand). Cytogenetic location: 17q11.2.
Variant type: single nucleotide variant.
Coding change: c.730+6G>T on transcript NM_001042492.3 (MANE Select); 6 bases into the intron after coding-DNA position 730, G replaced by T.
Molecular consequence: intron variant.
Genome position (GRCh38, 1-based): chr17:31,181,791, G>T. VCF-style: chr17-31181791-G-T. GRCh37 (hg19) VCF-style: chr17-29508809-G-T.
Other names: c.730+6G>T (NM_000267.4, NM_001128147.3).
Identifiers: ClinVar variation 2740747 (VCV002740747.4), dbSNP rs1444298546, ClinGen allele CA625465763.

ClinVar aggregate classification (germline): Conflicting classifications of pathogenicity. Review status: criteria provided, conflicting classifications (1 of 4 stars). 2 submissions from 2 submitters: Uncertain significance (1); Likely benign (1). Last evaluated 2026-05-11.

Conditions:
Neurofibromatosis, type 1 (NF1). Also called: VON RECKLINGHAUSEN DISEASE; Neurofibromatosis, type I; NEUROFIBROMATOSIS, TYPE I, SOMATIC; Peripheral type neurofibromatosis. Identifiers: Orphanet 636, MedGen C0027831, MONDO:0018975, OMIM 162200. Disease mechanism: loss of function.

Allele frequency attached by ClinVar (database versions not stated): gnomAD exomes below 0.00001; TOPMed below 0.00001.
gnomAD v4.1: 1 of 1,572,032 alleles (0.000064%); highest among the groups gnomAD compares: Non-Finnish European, 0.000087%; no homozygotes.

Submissions (2):

Myriad Genetics, Inc.
Classification: Likely benign for Neurofibromatosis, type 1. Last evaluated: 2026-05-11. Review status: criteria provided, single submitter. Criteria: Myriad Autosomal Dominant, Autosomal Recessive and X-Linked Classification Criteria (2023). Collection method: clinical testing. Allele origin: unknown.
Comment: This variant is considered likely benign. This variant is intronic and is not expected to impact mRNA splicing.

Labcorp Genetics (formerly Invitae), Labcorp
Classification: Uncertain significance for Neurofibromatosis, type 1. Last evaluated: 2024-11-24. Review status: criteria provided, single submitter. Criteria: Invitae Variant Classification Sherloc (09022015). Collection method: clinical testing. Allele origin: germline.
Comment: This sequence change falls in intron 7 of the NF1 gene. It does not directly change the encoded amino acid sequence of the NF1 protein. It affects a nucleotide within the consensus splice site. The frequency data for this variant in the population databases is considered unreliable, as metrics indicate poor data quality at this position in the gnomAD database. This variant has not been reported in the literature in individuals affected with NF1-related conditions. ClinVar contains an entry for this variant (Variation ID: 2740747). Variants that disrupt the consensus splice site are a relatively common cause of aberrant splicing (PMID: 17576681, 9536098). Algorithms developed to predict the effect of sequence changes on RNA splicing suggest that this variant is not likely to affect RNA splicing. In summary, the available evidence is currently insufficient to determine the role of this variant in disease. Therefore, it has been classified as a Variant of Uncertain Significance.

Literature cited by the submitters: PubMed 17576681 (cited by Labcorp Genetics (formerly Invitae), Labcorp); PubMed 9536098 (cited by Labcorp Genetics (formerly Invitae), Labcorp).